The following is an entry in ClinVar:

NM_206933.4(USH2A):c.14423G>A (p.Cys4808Tyr)

Gene: USH2A (usherin; minus strand). Cytogenetic location: 1q41.
Variant type: single nucleotide variant.
Coding change: c.14423G>A on transcript NM_206933.4 (MANE Select); coding-DNA position 14423, G replaced by A.
Protein change: p.Cys4808Tyr; replaces cysteine 4808 with tyrosine.
Molecular consequence: missense variant.
Genome position (GRCh38, 1-based): chr1:215,648,687, C>T on the plus strand (G>A on the coding strand, the complement: USH2A is on the minus strand). VCF-style: chr1-215648687-C-T. GRCh37 (hg19) VCF-style: chr1-215822029-C-T.
Other names: NC_000001.10:g.215822029C>T; NP_996816.3:p.(Cys4808Tyr); short protein forms C4808Y.
Identifiers: ClinVar variation 2577500 (VCV002577500.8), dbSNP rs2464816066, ClinGen allele CA344833866.

ClinVar aggregate classification (germline): Conflicting classifications of pathogenicity. Review status: criteria provided, conflicting classifications (1 of 4 stars). 4 submissions from 4 submitters: Likely pathogenic (1); Uncertain significance (3). Last evaluated 2025-07-22.

Conditions:
Usher syndrome. Also called: Usher Syndromes; Usher's syndrome. Identifiers: Orphanet 886, MedGen CN469326, MeSH D052245, MONDO:0019501. Disease mechanism: loss of function.

Submissions (4):

Women's Health and Genetics/Laboratory Corporation of America, LabCorp
Classification: Uncertain significance. Last evaluated: 2025-07-22. Review status: criteria provided, single submitter. Criteria: LabCorp Variant Classification Summary - May 2015. Collection method: clinical testing. Allele origin: germline.
Comment: Variant summary: USH2A c.14423G>A (p.Cys4808Tyr) results in a non-conservative amino acid change located in the Fibronectin type III (IPR003961) of the encoded protein sequence. Algorithms developed to predict the effect of missense changes on protein structure and function are either unavailable or do not agree on the potential impact of this missense change. The variant was absent in 251388 control chromosomes. The available data on variant occurrences in the general population are insufficient to allow any conclusion about variant significance. c.14423G>A has been observed in individual(s) affected with Usher Syndrome (Zhu_2021, Peter_2023, Cortinhal_2024). These data do not allow any conclusion about variant significance. To our knowledge, no experimental evidence demonstrating an impact on protein function has been reported. The following publications have been ascertained in the context of this evaluation (PMID: 38189974, 36909829, 32675063). ClinVar contains an entry for this variant (Variation ID: 2577500). Based on the evidence outlined above, the variant was classified as uncertain significance.

Labcorp Genetics (formerly Invitae), Labcorp
Classification: Likely pathogenic. Last evaluated: 2024-01-18. Review status: criteria provided, single submitter. Criteria: Invitae Variant Classification Sherloc (09022015). Collection method: clinical testing. Allele origin: germline.
Comment: This sequence change replaces cysteine, which is neutral and slightly polar, with tyrosine, which is neutral and polar, at codon 4808 of the USH2A protein (p.Cys4808Tyr). This variant is not present in population databases (gnomAD no frequency). This missense change has been observed in individual(s) with Usher syndrome (PMID: 32675063, 36909829). ClinVar contains an entry for this variant (Variation ID: 2577500). Advanced modeling of protein sequence and biophysical properties (such as structural, functional, and spatial information, amino acid conservation, physicochemical variation, residue mobility, and thermodynamic stability) performed at Invitae indicates that this missense variant is expected to disrupt USH2A protein function with a positive predictive value of 80%. In summary, the currently available evidence indicates that the variant is pathogenic, but additional data are needed to prove that conclusively. Therefore, this variant has been classified as Likely Pathogenic.

Ophthalmic Genetics Group, Institute of Molecular and Clinical Ophthalmology Basel
Classification: Uncertain significance for Usher syndrome. Last evaluated: 2023-07-24. Review status: criteria provided, single submitter. Criteria: ACMG Guidelines, 2015. Collection method: research. Allele origin: germline. Affected: yes. Observed: 1 variant allele.
Comment: Clinical significance based on ACMG v2.0

This variant was classified as Uncertain significance based on ACMG criteria: PM2, PM1.

Blueprint Genetics
Classification: Uncertain significance. Last evaluated: 2022-09-07. Review status: criteria provided, single submitter. Criteria: ACMG Guidelines, 2015. Collection method: clinical testing. Allele origin: germline.

Literature cited by the submitters: PubMed 32675063 (cited by Women's Health and Genetics/Laboratory Corporation of America, LabCorp and Labcorp Genetics (formerly Invitae), Labcorp); PubMed 36909829 (cited by 3 submitters); PubMed 38189974 (cited by Women's Health and Genetics/Laboratory Corporation of America, LabCorp).